The following is an entry in ClinVar:

ClinVar aggregate classification (germline): Conflicting classifications of pathogenicity. Review status: criteria provided, conflicting classifications (1 of 4 stars). 4 submissions from 4 submitters: Uncertain significance (3); Likely benign (1). Last evaluated 2024-09-11.

Conditions:
Hereditary cancer-predisposing syndrome. Also called: Hereditary Cancer Syndrome; Hereditary neoplastic syndrome; Neoplastic Syndromes, Hereditary; Tumor predisposition. Identifiers: Orphanet 140162, MedGen C0027672, MeSH D009386, MONDO:0015356.
Hereditary breast ovarian cancer syndrome. Also called: BRCA1- and BRCA2-Associated Hereditary Breast and Ovarian Cancer; Hereditary breast and ovarian cancer syndrome (HBOC); Hereditary breast and ovarian cancer syndrome; Breast and ovarian cancer; Hereditary breast and ovarian cancer; Hereditary breast and/or ovarian cancer syndrome. Identifiers: Orphanet 145, MedGen C0677776, MeSH D061325, MONDO:0003582. Disease mechanism: loss of function.
Breast-ovarian cancer, familial, susceptibility to, 1 (BROVCA1). Also called: OVARIAN CANCER, SUSCEPTIBILITY TO; BRCA1 Hereditary Breast and Ovarian Cancer. Identifiers: Orphanet 145, MedGen C2676676, MONDO:0011450, OMIM 604370. Disease mechanism: loss of function.

Submissions (4):

Labcorp Genetics (formerly Invitae), Labcorp
Classification: Uncertain significance for Hereditary breast ovarian cancer syndrome. Last evaluated: 2024-09-11. Review status: criteria provided, single submitter. Criteria: Invitae Variant Classification Sherloc (09022015). Collection method: clinical testing. Allele origin: germline.
Comment: This sequence change replaces arginine, which is basic and polar, with glycine, which is neutral and non-polar, at codon 691 of the BRCA1 protein (p.Arg691Gly). This variant is not present in population databases (gnomAD no frequency). This variant has not been reported in the literature in individuals affected with BRCA1-related conditions. ClinVar contains an entry for this variant (Variation ID: 820636). Invitae Evidence Modeling of protein sequence and biophysical properties (such as structural, functional, and spatial information, amino acid conservation, physicochemical variation, residue mobility, and thermodynamic stability) indicates that this missense variant is not expected to disrupt BRCA1 protein function with a negative predictive value of 95%. In summary, the available evidence is currently insufficient to determine the role of this variant in disease. Therefore, it has been classified as a Variant of Uncertain Significance.

Ambry Genetics
Classification: Uncertain significance for Hereditary cancer-predisposing syndrome. Last evaluated: 2023-06-21. Review status: criteria provided, single submitter. Criteria: Ambry Variant Classification Scheme 2023. Collection method: clinical testing. Allele origin: germline.
Comment: The p.R691G variant (also known as c.2071A>G), located in coding exon 9 of the BRCA1 gene, results from an A to G substitution at nucleotide position 2071. The arginine at codon 691 is replaced by glycine, an amino acid with dissimilar properties. This amino acid position is not well conserved in available vertebrate species. In addition, the in silico prediction for this alteration is inconclusive. Since supporting evidence is limited at this time, the clinical significance of this alteration remains unclear.

All of Us Research Program, National Institutes of Health
Classification: Uncertain significance for Breast-ovarian cancer, familial, susceptibility to, 1. Last evaluated: 2023-04-03. Review status: criteria provided, single submitter. Criteria: ACMG Guidelines, 2015. Collection method: clinical testing. Allele origin: germline. Inheritance: Autosomal dominant inheritance. Observed: 1 variant allele, 1 heterozygote.
Comment: This missense variant replaces arginine with glycine at codon 691 of the BRCA1 protein. Computational prediction suggests that this variant may not impact protein structure and function (internally defined REVEL score threshold <= 0.5, PMID: 27666373). To our knowledge, functional studies have not been reported for this variant. This variant has not been reported in individuals affected with BRCA1-related disorders in the literature. This variant has not been identified in the general population by the Genome Aggregation Database (gnomAD). The available evidence is insufficient to determine the role of this variant in disease conclusively. Therefore, this variant is classified as a Variant of Uncertain Significance.

This study involves interpretation of variants in research participants for the purpose of population health screening. Participant phenotype was not available at the time of variant classification. Additional details can be found in publication PMID: 35346344, PMCID: PMC8962531

University of Washington Department of Laboratory Medicine, University of Washington
Classification: Likely benign for Hereditary cancer-predisposing syndrome. Last evaluated: 2023-03-23. Review status: criteria provided, single submitter. Criteria: Dines et al. (Genet Med. 2020). Collection method: curation. Allele origin: germline.
Comment: Missense variant in a coldspot region where missense variants are very unlikely to be pathogenic (PMID:31911673).

BRCA1 coldspot (exon 11 using historical exon numbering). Reclassification based on statistical prior probability

NM_007294.4(BRCA1):c.2071A>G (p.Arg691Gly)

Gene: BRCA1 (BRCA1 DNA repair associated; minus strand). Cytogenetic location: 17q21.31.
Variant type: single nucleotide variant.
Coding change: c.2071A>G on transcript NM_007294.4 (MANE Select); coding-DNA position 2071, A replaced by G.
Protein change: p.Arg691Gly; replaces arginine 691 with glycine.
Molecular consequence: missense variant. On other transcripts: intron variant (137).
Genome position (GRCh38, 1-based): chr17:43,093,460, T>C on the plus strand (A>G on the coding strand, the complement: BRCA1 is on the minus strand). VCF-style: chr17-43093460-T-C. GRCh37 (hg19) VCF-style: chr17-41245477-T-C.
Other names: c.1858A>G, p.Arg620Gly (NM_001407571.1, NM_001407896.1, NM_001407897.1 and 9 more transcripts); c.2071A>G, p.Arg691Gly (NM_001407581.1, NM_001407582.1, NM_001407583.1 and 30 more transcripts); c.2068A>G, p.Arg690Gly (NM_001407587.1, NM_001407590.1, NM_001407591.1 and 22 more transcripts); c.2062A>G, p.Arg688Gly (NM_001407646.1, NM_001407647.1); c.1948A>G, p.Arg650Gly (NM_001407648.1, NM_001407666.1, NM_001407667.1 and 19 more transcripts); c.1945A>G, p.Arg649Gly (NM_001407649.1, NM_001407670.1, NM_001407671.1 and 11 more transcripts); c.1993A>G, p.Arg665Gly (NM_001407653.1, NM_001407654.1, NM_001407655.1 and 4 more transcripts); c.1930A>G, p.Arg644Gly (NM_001407692.1, NM_001407694.1, NM_001407730.1 and 29 more transcripts); and 40 more; short protein forms R644G, R691G, R523G, R624G, R665G, R690G, R563G, R621G.
Identifiers: ClinVar variation 820636 (VCV000820636.11), dbSNP rs1597872365, ClinGen allele CA10597861.